The following is an entry in ClinVar:

ClinVar aggregate classification (germline): Uncertain significance. Review status: criteria provided, multiple submitters, no conflicts (2 of 4 stars). 2 submissions from 2 submitters: Uncertain significance (2). Last evaluated 2026-01-10.

Conditions:
Hereditary cancer-predisposing syndrome. Also called: Tumor predisposition; Hereditary Cancer Syndrome; Neoplastic Syndromes, Hereditary; Hereditary neoplastic syndrome. Identifiers: Orphanet 140162, MedGen C0027672, MeSH D009386, MONDO:0015356.
Bloom syndrome (BLM). Also called: Bloom-Torre-Machacek syndrome. Identifiers: Orphanet 125, MedGen C0005859, MONDO:0008876, OMIM 210900.

Allele frequency attached by ClinVar (database versions not stated): gnomAD exomes below 0.00001; gnomAD 0.00001; TOPMed 0.00001.
gnomAD v4.1: 2 of 1,614,066 alleles (0.00012%); highest among the groups gnomAD compares: African/African-American, 0.0027%; no homozygotes.

Submissions (2):

Labcorp Genetics (formerly Invitae), Labcorp
Classification: Uncertain significance for Bloom syndrome. Last evaluated: 2026-01-10. Review status: criteria provided, single submitter. Criteria: Invitae Variant Classification Sherloc (09022015). Collection method: clinical testing. Allele origin: germline.
Comment: This sequence change replaces aspartic acid, which is acidic and polar, with valine, which is neutral and non-polar, at codon 906 of the BLM protein (p.Asp906Val). This variant is not present in population databases (gnomAD no frequency). This variant has not been reported in the literature in individuals affected with BLM-related conditions. ClinVar contains an entry for this variant (Variation ID: 821706). Invitae Evidence Modeling of protein sequence and biophysical properties (such as structural, functional, and spatial information, amino acid conservation, physicochemical variation, residue mobility, and thermodynamic stability) indicates that this missense variant is not expected to disrupt BLM protein function with a negative predictive value of 80%. In summary, the available evidence is currently insufficient to determine the role of this variant in disease. Therefore, it has been classified as a Variant of Uncertain Significance.

Ambry Genetics
Classification: Uncertain significance for Hereditary cancer-predisposing syndrome. Last evaluated: 2025-11-17. Review status: criteria provided, single submitter. Criteria: Ambry Variant Classification Scheme 2023. Collection method: clinical testing. Allele origin: germline.
Comment: The p.D906V variant (also known as c.2717A>T), located in coding exon 13 of the BLM gene, results from an A to T substitution at nucleotide position 2717. The aspartic acid at codon 906 is replaced by valine, an amino acid with highly dissimilar properties. This amino acid position is not well conserved in available vertebrate species. In addition, the in silico prediction for this alteration is inconclusive. Since supporting evidence is limited at this time, the clinical significance of this alteration remains unclear.

NM_000057.4(BLM):c.2717A>T (p.Asp906Val)

Gene: BLM (BLM RecQ like helicase; plus strand). Cytogenetic location: 15q26.1.
Variant type: single nucleotide variant.
Coding change: c.2717A>T on transcript NM_000057.4 (MANE Select); coding-DNA position 2717, A replaced by T.
Protein change: p.Asp906Val; replaces aspartic acid 906 with valine.
Molecular consequence: missense variant.
Genome position (GRCh38, 1-based): chr15:90,784,975, A>T. VCF-style: chr15-90784975-A-T. GRCh37 (hg19) VCF-style: chr15-91328205-A-T.
Other names: c.2717A>T, p.Asp906Val (NM_001287247.2, NM_001287246.2); c.1592A>T, p.Asp531Val (NM_001287248.2); short protein forms D531V, D906V.
Identifiers: ClinVar variation 821706 (VCV000821706.13), dbSNP rs996189487, ClinGen allele CA274759197.
Genomic context (GRCh38, chr15:90,784,975, plus strand): 5'-TGGCAGATGATTCAGGGATAATTTACTGCCTCTCCAGGCGAGAATGTGACACCATGGCTG[A>T]CACGTTACAGAGAGATGGGCTCGCTGCTCTTGCTTACCATGCTGGCCTCAGTGATTCTGC-3'
Protein context (NP_000048.1, residues 896-916): LSRRECDTMA[Asp906Val]TLQRDGLAAL